The following is an entry in ClinVar:

NM_001077418.3(TMEM231):c.140-15C>T

Genes: TMEM231 (transmembrane protein 231; minus strand), LOC130059440 (ATAC-STARR-seq lymphoblastoid silent region 7724; plus strand). Cytogenetic location: 16q23.1.
Variant type: single nucleotide variant.
Coding change: c.140-15C>T on transcript NM_001077418.3 (MANE Select); 15 bases into the intron before coding-DNA position 140, C replaced by T.
Molecular consequence: intron variant. On other transcripts: missense variant (1).
Genome position (GRCh38, 1-based): chr16:75,555,988, G>A on the plus strand (C>T on the coding strand, the complement: TMEM231 is on the minus strand). VCF-style: chr16-75555988-G-A. GRCh37 (hg19) VCF-style: chr16-75589886-G-A.
Other names: c.284C>T, p.Ala95Val (NM_001077416.2); short protein forms A95V.
Identifiers: ClinVar variation 707232 (VCV000707232.22), dbSNP rs201518524, ClinGen allele CA8176278.
Genomic context (GRCh38, chr16:75,555,988, plus strand): 5'-CGCACGGTCGGCTGCTCCTCGTAGCTGCTCCGCTTCAGCCAAAACCCTGAGTTAAAGAGG[G>A]CGGTAGGGAGGCGGTTAGGGAGGCCGGCCCTGGCCGAGCGCGCCCGGGGAGCCTCGTGGC-3'

ClinVar aggregate classification (germline): Likely benign. Review status: criteria provided, multiple submitters, no conflicts (2 of 4 stars). 5 submissions from 5 submitters: Likely benign (5). Last evaluated 2026-01-20.

Conditions:
Joubert syndrome 20 (JBTS20). Identifiers: Orphanet 475, MedGen C3554235, MONDO:0013994, OMIM 614970.
Meckel syndrome, type 11 (MKS11). Identifiers: Orphanet 564, MedGen C3809352, MONDO:0014164, OMIM 615397.

Allele frequency attached by ClinVar (database versions not stated): ESP Exome Variant Server 0.00008; 1000 Genomes Project 30x 0.00016; gnomAD 0.00019 and 0.00028; 1000 Genomes Project 0.00020; TOPMed 0.00030; gnomAD exomes 0.00039 and 0.00060; ExAC 0.00114.
gnomAD v4.1: 639 of 1,596,382 alleles (0.04%); highest among the groups gnomAD compares: Middle Eastern, 0.26%; 1 homozygote.

Submissions (5):

Labcorp Genetics (formerly Invitae), Labcorp
Classification: Likely benign for Joubert syndrome 20; Meckel syndrome, type 11. Last evaluated: 2026-01-20. Review status: criteria provided, single submitter. Criteria: Invitae Variant Classification Sherloc (09022015). Collection method: clinical testing. Allele origin: germline.

CeGaT Center for Human Genetics Tuebingen
Classification: Likely benign. Last evaluated: 2026-01-01. Review status: criteria provided, single submitter. Criteria: CeGaT Center For Human Genetics Tuebingen Variant Classification Criteria Version 2. Collection method: clinical testing. Allele origin: germline. Affected: yes. Observed: 2 variant alleles.
Comment: TMEM231: BS2

Genomic Medicine Center of Excellence, King Faisal Specialist Hospital and Research Centre
Classification: Likely benign. Last evaluated: 2025-08-18. Review status: criteria provided, single submitter. Criteria: ACMG Guidelines, 2015. Collection method: clinical testing. Allele origin: germline.

Blueprint Genetics
Classification: Likely benign. Last evaluated: 2024-11-25. Review status: criteria provided, single submitter. Criteria: ACMG Guidelines, 2015. Collection method: clinical testing. Allele origin: germline.

Breakthrough Genomics
Classification: Likely benign. Review status: criteria provided, single submitter. Criteria: ACMG Guidelines, 2015. Collection method: not provided. Allele origin: germline. Inheritance: Autosomal recessive inheritance. Affected: yes.